The following is an entry in ClinVar:

ClinVar aggregate classification (germline): Uncertain significance (1 of 4 stars; one submission).

Submission:

Labcorp Genetics (formerly Invitae), Labcorp
Classification: Uncertain significance. Last evaluated: 2025-03-07. Review status: criteria provided, single submitter. Criteria: Invitae Variant Classification Sherloc (09022015). Collection method: clinical testing. Allele origin: germline.
Comment: This sequence change replaces serine, which is neutral and polar, with isoleucine, which is neutral and non-polar, at codon 347 of the KCNJ13 protein (p.Ser347Ile). This variant is not present in population databases (gnomAD no frequency). This variant has not been reported in the literature in individuals affected with KCNJ13-related conditions. An algorithm developed to predict the effect of missense changes on protein structure and function (PolyPhen-2) suggests that this variant is likely to be tolerated. In summary, the available evidence is currently insufficient to determine the role of this variant in disease. Therefore, it has been classified as a Variant of Uncertain Significance.

NM_002242.4(KCNJ13):c.1040G>T (p.Ser347Ile)

Genes: GIGYF2 (GRB10 interacting GYF protein 2; plus strand), KCNJ13 (potassium inwardly rectifying channel subfamily J member 13; minus strand). Cytogenetic location: 2q37.1.
Variant type: single nucleotide variant.
Coding change: c.1040G>T on transcript NM_002242.4 (MANE Select); coding-DNA position 1040, G replaced by T.
Protein change: p.Ser347Ile; replaces serine 347 with isoleucine.
Molecular consequence: missense variant. On other transcripts: 3 prime UTR variant (1), intron variant (4).
Genome position (GRCh38, 1-based): chr2:232,768,234, C>A on the plus strand (G>T on the coding strand, the complement: KCNJ13 is on the minus strand). VCF-style: chr2-232768234-C-A. GRCh37 (hg19) VCF-style: chr2-233632944-C-A.
Other names: c.*519G>T (NM_001172416.1); c.800G>T, p.Ser267Ile (NM_001172417.1); c.532+6798C>A (NM_001103146.3, NM_015575.4, NM_001103147.2 and 1 more transcripts); short protein forms S267I, S347I.
Identifiers: ClinVar variation 4714655 (VCV004714655.1).